The following is an entry in ClinVar:

ClinVar aggregate classification (germline): Pathogenic (1 of 4 stars; one submission).

Conditions:
Fetal anomalies with a likely genetic cause.

Submission:

Genetics Laboratory, Great Ormond Street Hospital NHS Foundation Trust, North Thames Genomic Laboratory Hub
Classification: Pathogenic for Fetal anomalies with a likely genetic cause. Last evaluated: 2026-09-17. Review status: criteria provided, single submitter. Criteria: ACGS Best Practice Guidelines for Variant Classification in Rare Disease 2024 v1.2. Collection method: clinical testing. Allele origin: germline. Affected: yes.
Comment: PM2_moderate, PVS1_very-strong

NM_000081.4(LYST):c.880_881insT (p.Ala294fs)

Gene: LYST (lysosomal trafficking regulator; minus strand). Cytogenetic location: 1q42.3.
Variant type: Insertion.
Coding change: c.880_881insT on transcript NM_000081.4 (MANE Select); coding-DNA positions 880 to 881, T inserted.
Protein change: p.Ala294fs; shifts the reading frame from alanine 294.
Molecular consequence: frameshift variant.
Genome position: GRCh38 VCF-style: chr1-235809937-G-GA. GRCh37 (hg19) VCF-style: chr1-235973237-G-GA.
Other names: c.880_881insT, p.Ala294fs (NM_001301365.1); short protein forms A294fs.
Identifiers: ClinVar variation 5043314 (VCV005043314.1).